The following is an entry in ClinVar:

ClinVar aggregate classification (germline): Uncertain significance (1 of 4 stars; one submission).

Allele frequency attached by ClinVar (database versions not stated): gnomAD exomes 0.00001; TOPMed 0.00002; ESP Exome Variant Server 0.00008.
gnomAD v4.1: 10 of 1,613,646 alleles (0.00062%); highest among the groups gnomAD compares: East Asian, 0.0022%; no homozygotes.

Submission:

Labcorp Genetics (formerly Invitae), Labcorp
Classification: Uncertain significance. Last evaluated: 2023-08-17. Review status: criteria provided, single submitter. Criteria: Invitae Variant Classification Sherloc (09022015). Collection method: clinical testing. Allele origin: germline.
Comment: This sequence change replaces arginine, which is basic and polar, with histidine, which is basic and polar, at codon 4891 of the PCLO protein (p.Arg4891His). In summary, the available evidence is currently insufficient to determine the role of this variant in disease. Therefore, it has been classified as a Variant of Uncertain Significance. Experimental studies and prediction algorithms are not available or were not evaluated, and the functional significance of this variant is currently unknown. ClinVar contains an entry for this variant (Variation ID: 1976407). This variant has not been reported in the literature in individuals affected with PCLO-related conditions. This variant is present in population databases (rs376928297, gnomAD 0.003%).

NM_033026.6(PCLO):c.14672G>A (p.Arg4891His)

Gene: PCLO (piccolo presynaptic cytomatrix protein; minus strand). Cytogenetic location: 7q21.11.
Variant type: single nucleotide variant.
Coding change: c.14672G>A on transcript NM_033026.6 (MANE Select); coding-DNA position 14672, G replaced by A.
Protein change: p.Arg4891His; replaces arginine 4891 with histidine.
Molecular consequence: missense variant.
Genome position (GRCh38, 1-based): chr7:82,822,614, C>T on the plus strand (G>A on the coding strand, the complement: PCLO is on the minus strand). VCF-style: chr7-82822614-C-T. GRCh37 (hg19) VCF-style: chr7-82451930-C-T.
Other names: c.14672G>A, p.Arg4891His (NM_014510.3); short protein forms R4891H.
Identifiers: ClinVar variation 1976407 (VCV001976407.4), dbSNP rs376928297, ClinGen allele CA161693288.